The following is an entry in ClinVar:

ClinVar aggregate classification (germline): Likely pathogenic. Review status: criteria provided, multiple submitters, no conflicts (2 of 4 stars). 2 submissions from 2 submitters: Likely pathogenic (2). Last evaluated 2019-07-17.

Conditions:
Euthyroid goiter (MNG1). Also called: GOITER, NONTOXIC, WITH INTRATHYROIDAL CALCIFICATION; MULTINODULAR GOITER, ADOLESCENT; SIMPLE GOITER; DICER1-Related Disorders; Goiter, multinodular 1, with or without Sertoli-Leydig cell tumors. Identifiers: Orphanet 276399, MedGen C0302859, MONDO:0007681, OMIM 138800, HP:0009798.

Submissions (2):

Baylor Genetics
Classification: Likely pathogenic for Euthyroid goiter. Last evaluated: 2019-07-17. Review status: criteria provided, single submitter. Criteria: ACMG Guidelines, 2015. Collection method: clinical testing. Allele origin: unknown. Affected: yes. Study: CSER-TexasKidsCanSeq.
Comment: This variant was determined to be likely pathogenic according to ACMG Guidelines, 2015 [PMID:25741868].

PreventionGenetics, part of Exact Sciences
Classification: Likely pathogenic. Last evaluated: 2018-09-17. Review status: criteria provided, single submitter. Criteria: ACMG Guidelines, 2015. Collection method: clinical testing. Allele origin: germline.

NM_177438.3(DICER1):c.3988del (p.Tyr1330fs)

Gene: DICER1 (dicer 1, ribonuclease III; minus strand). Cytogenetic location: 14q32.13.
Variant type: Deletion.
Coding change: c.3988del on transcript NM_177438.3 (MANE Select); coding-DNA position 3988, one base deleted (T; older notation c.3988delT).
Protein change: p.Tyr1330fs; shifts the reading frame from tyrosine 1330.
Molecular consequence: frameshift variant.
Genome position (GRCh38, 1-based): chr14:95,103,408, A deleted on the plus strand (T on the coding strand, the reverse complement: DICER1 is on the minus strand). VCF-style (leftmost placement, unchanged base first): chr14-95103407-TA-T. GRCh37 (hg19) VCF-style: chr14-95569744-TA-T.
Other names: c.3988del, p.Tyr1330fs (NM_001195573.1, NM_001271282.3, NM_001291628.2 and 1 more transcripts); c.3988delT (NM_177438.2, NM_030621.4); short protein forms Y1330fs.
Identifiers: ClinVar variation 690474 (VCV000690474.4), dbSNP rs1595363945, ClinGen allele CA913184763.
Genomic context (GRCh38, chr14:95,103,407, plus strand): 5'-TTTTTGCTTCTCATATATGAAAGGCGGCCCTCATGCGCATCAGGGTAAGTGCAAAATAGA[TA>T]TGTGGTGATGGCATGCTTTAAAAAGGAGTCGCCAAGCATTTCAAGCCGCTCCAGGTTAAA-3'